The following is an entry in ClinVar:

NM_153603.4(COG7):c.1255dup (p.Cys419fs)

Gene: COG7 (component of oligomeric golgi complex 7; minus strand). Cytogenetic location: 16p12.2.
Variant type: Duplication.
Coding change: c.1255dup on transcript NM_153603.4 (MANE Select); coding-DNA position 1255, one base duplicated (T; older notation c.1255dupT).
Protein change: p.Cys419fs; shifts the reading frame from cysteine 419.
Molecular consequence: frameshift variant.
Genome position (GRCh38, 1-based): chr16:23,417,004, A duplicated on the plus strand (T on the coding strand, the reverse complement: COG7 is on the minus strand). VCF-style (leftmost placement, unchanged base first): chr16-23417003-C-CA. GRCh37 (hg19) VCF-style: chr16-23428324-C-CA.
Other names: short protein forms C419fs.
Identifiers: ClinVar variation 2120057 (VCV002120057.4), dbSNP rs1963666828, ClinGen allele CA2213320554.

ClinVar aggregate classification (germline): Pathogenic (1 of 4 stars; one submission).

Conditions:
COG7 congenital disorder of glycosylation (CDG2E). Also called: CDG IIe; CONGENITAL DISORDER OF GLYCOSYLATION, TYPE IIe. Identifiers: Orphanet 79333, MedGen C2931010, MONDO:0012118, OMIM 608779.

Allele frequency attached by ClinVar (database versions not stated): gnomAD exomes below 0.00001.

Submission:

Labcorp Genetics (formerly Invitae), Labcorp
Classification: Pathogenic for COG7 congenital disorder of glycosylation. Last evaluated: 2024-04-17. Review status: criteria provided, single submitter. Criteria: Invitae Variant Classification Sherloc (09022015). Collection method: clinical testing. Allele origin: germline.
Comment: This sequence change creates a premature translational stop signal (p.Cys419Leufs*17) in the COG7 gene. It is expected to result in an absent or disrupted protein product. Loss-of-function variants in COG7 are known to be pathogenic (PMID: 21811164). This variant is not present in population databases (gnomAD no frequency). This variant has not been reported in the literature in individuals affected with COG7-related conditions. ClinVar contains an entry for this variant (Variation ID: 2120057). For these reasons, this variant has been classified as Pathogenic.

Literature cited by the submitters: PubMed 21811164.